The following is an entry in ClinVar:

NM_000051.4(ATM):c.3024_3025insTT (p.Glu1009fs)

Gene: ATM (ATM serine/threonine kinase; plus strand). Cytogenetic location: 11q22.3.
Variant type: Insertion.
Coding change: c.3024_3025insTT on transcript NM_000051.4 (MANE Select); coding-DNA positions 3024 to 3025, TT inserted.
Protein change: p.Glu1009fs; shifts the reading frame from glutamic acid 1009.
Molecular consequence: frameshift variant.
Genome position: GRCh38 VCF-style: chr11-108271352-C-CTT. GRCh37 (hg19) VCF-style: chr11-108142079-C-CTT.
Other names: c.3024_3025insTT, p.Glu1009fs (NM_001351834.2); short protein forms E1009fs.
Identifiers: ClinVar variation 822629 (VCV000822629.12), dbSNP rs1555085172, ClinGen allele CA915948372.

ClinVar aggregate classification (germline): Pathogenic. Review status: criteria provided, multiple submitters, no conflicts (2 of 4 stars). 2 submissions from 2 submitters: Pathogenic (2). Last evaluated 2019-09-23.

Conditions:
Ataxia-telangiectasia syndrome (AT). Also called: Cerebello-oculocutaneous telangiectasia; Immunodeficiency with ataxia telangiectasia; Ataxia-telangiectasia, complementation group E; Ataxia-telangiectasia, complementation group D; AT, COMPLEMENTATION GROUP C; ATAXIA-TELANGIECTASIA, COMPLEMENTATION GROUP A. Identifiers: Orphanet 100, MedGen C0004135, MONDO:0008840, OMIM 208900.
Hereditary cancer-predisposing syndrome. Also called: Hereditary Cancer Syndrome; Neoplastic Syndromes, Hereditary; Hereditary neoplastic syndrome; Tumor predisposition. Identifiers: Orphanet 140162, MedGen C0027672, MeSH D009386, MONDO:0015356.

Submissions (2):

Labcorp Genetics (formerly Invitae), Labcorp
Classification: Pathogenic for Ataxia-telangiectasia syndrome. Last evaluated: 2019-09-23. Review status: criteria provided, single submitter. Criteria: Invitae Variant Classification Sherloc (09022015). Collection method: clinical testing. Allele origin: germline.
Comment: This sequence change creates a premature translational stop signal (p.Glu1009Leufs*14) in the ATM gene. It is expected to result in an absent or disrupted protein product. For these reasons, this variant has been classified as Pathogenic. Loss-of-function variants in ATM are known to be pathogenic (PMID: 23807571, 25614872). This variant has not been reported in the literature in individuals with ATM-related conditions. This variant is not present in population databases (ExAC no frequency).

Ambry Genetics
Classification: Pathogenic for Hereditary cancer-predisposing syndrome. Last evaluated: 2019-09-12. Review status: criteria provided, single submitter. Criteria: Ambry Variant Classification Scheme 2023. Collection method: clinical testing. Allele origin: germline.
Comment: The c.3024_3025insTT pathogenic mutation, located in coding exon 19 of the ATM gene, results from an insertion of two nucleotides at position 3024, causing a translational frameshift with a predicted alternate stop codon (p.E1009Lfs*14). This alteration is expected to result in loss of function by premature protein truncation or nonsense-mediated mRNA decay. As such, this alteration is interpreted as a disease-causing mutation.

Literature cited by the submitters: PubMed 23807571 (cited by Labcorp Genetics (formerly Invitae), Labcorp); PubMed 25614872 (cited by Labcorp Genetics (formerly Invitae), Labcorp).